The following is an entry in ClinVar:

NM_006904.7(PRKDC):c.7108A>T (p.Ser2370Cys)

Gene: PRKDC (protein kinase, DNA-activated, catalytic subunit; minus strand). Cytogenetic location: 8q11.21.
Variant type: single nucleotide variant.
Coding change: c.7108A>T on transcript NM_006904.7 (MANE Select); coding-DNA position 7108, A replaced by T.
Protein change: p.Ser2370Cys; replaces serine 2370 with cysteine.
Molecular consequence: missense variant.
Genome position (GRCh38, 1-based): chr8:47,849,401, T>A on the plus strand (A>T on the coding strand, the complement: PRKDC is on the minus strand). VCF-style: chr8-47849401-T-A. GRCh37 (hg19) VCF-style: chr8-48761962-T-A.
Other names: c.7108A>T, p.Ser2370Cys (NM_001081640.2); short protein forms S2370C.
Identifiers: ClinVar variation 665615 (VCV000665615.7), dbSNP rs774264545, ClinGen allele CA4740181.

ClinVar aggregate classification (germline): Uncertain significance (1 of 4 stars; one submission).

Conditions:
Severe combined immunodeficiency due to DNA-PKcs deficiency. Also called: IMMUNODEFICIENCY 26 WITH NEUROLOGIC ABNORMALITIES; Immunodeficiency 26 with or without neurologic abnormalities. Identifiers: Orphanet 317425, MedGen C4014833, MONDO:0014423, OMIM 615966.

Allele frequency attached by ClinVar (database versions not stated): ExAC 0.00001; gnomAD 0.00006 and 0.00007; TOPMed 0.00008.
gnomAD v4.1: 14 of 1,613,928 alleles (0.00087%); highest among the groups gnomAD compares: African/African-American, 0.019%; no homozygotes.

Submission:

Labcorp Genetics (formerly Invitae), Labcorp
Classification: Uncertain significance for Severe combined immunodeficiency due to DNA-PKcs deficiency. Last evaluated: 2024-11-05. Review status: criteria provided, single submitter. Criteria: Invitae Variant Classification Sherloc (09022015). Collection method: clinical testing. Allele origin: germline.
Comment: This sequence change replaces serine, which is neutral and polar, with cysteine, which is neutral and slightly polar, at codon 2370 of the PRKDC protein (p.Ser2370Cys). This variant is present in population databases (rs774264545, gnomAD 0.01%). This variant has not been reported in the literature in individuals affected with PRKDC-related conditions. ClinVar contains an entry for this variant (Variation ID: 665615). Invitae Evidence Modeling of protein sequence and biophysical properties (such as structural, functional, and spatial information, amino acid conservation, physicochemical variation, residue mobility, and thermodynamic stability) indicates that this missense variant is not expected to disrupt PRKDC protein function with a negative predictive value of 80%. In summary, the available evidence is currently insufficient to determine the role of this variant in disease. Therefore, it has been classified as a Variant of Uncertain Significance.